The following is an entry in ClinVar:

ClinVar aggregate classification (germline): Uncertain significance (1 of 4 stars; one submission).

Conditions:
Cardiovascular phenotype. Identifiers: MedGen CN230736.

Submission:

Ambry Genetics
Classification: Uncertain significance for Cardiovascular phenotype. Last evaluated: 2025-11-25. Review status: criteria provided, single submitter. Criteria: Ambry Variant Classification Scheme 2023. Collection method: clinical testing. Allele origin: germline.
Comment: The p.G368R variant (also known as c.1102G>A), located in coding exon 11 of the CASQ2 gene, results from a G to A substitution at nucleotide position 1102. The glycine at codon 368 is replaced by arginine, an amino acid with dissimilar properties. This amino acid position is conserved. In addition, the in silico prediction for this alteration is inconclusive. Based on the available evidence, the clinical significance of this variant remains unclear.

NM_001232.4(CASQ2):c.1102G>A (p.Gly368Arg)

Gene: CASQ2 (calsequestrin 2; minus strand). Cytogenetic location: 1p13.1.
Variant type: single nucleotide variant.
Coding change: c.1102G>A on transcript NM_001232.4 (MANE Select); coding-DNA position 1102, G replaced by A.
Protein change: p.Gly368Arg; replaces glycine 368 with arginine.
Molecular consequence: missense variant.
Genome position (GRCh38, 1-based): chr1:115,701,339, C>T on the plus strand (G>A on the coding strand, the complement: CASQ2 is on the minus strand). VCF-style: chr1-115701339-C-T. GRCh37 (hg19) VCF-style: chr1-116243960-C-T.
Other names: short protein forms G368R.
Identifiers: ClinVar variation 4613801 (VCV004613801.1).